The following is an entry in ClinVar:

ClinVar aggregate classification (germline): Pathogenic/Likely pathogenic. Review status: criteria provided, multiple submitters, no conflicts (2 of 4 stars). 5 submissions from 5 submitters: Pathogenic (2); Likely pathogenic (3). Last evaluated 2025-09-30.

Conditions:
Congenital hyperammonemia, type I. Also called: Carbamoyl phosphate synthetase 1 deficiency; Hyperammonemia due to carbamoyl phosphate synthetase 1 deficiency; CPS 1 deficiency; Carbamyl phosphate synthetase (CPS) deficiency; Carbamoyl-phosphate synthase I deficiency; Carbamoyl phosphate synthetase I deficiency disease. Identifiers: Orphanet 147, MedGen C4082171, MONDO:0009376, OMIM 237300.
Pulmonary hypertension, neonatal, susceptibility to (PHN). Identifiers: MedGen C3714958, MONDO:0014151, OMIM 615371.

Submissions (5):

Natera, Inc.
Classification: Pathogenic for Carbamoyl-phosphate synthase I deficiency. Last evaluated: 2025-09-30. Review status: criteria provided, single submitter. Criteria: Natera Variant Classification Schema (03/2026). Collection method: clinical testing. Allele origin: germline.
Comment: The c.3337-1G>T variant in CPS1 is a canonical splice acceptor site variant predicted to affect pre-mRNA splicing, which may result in an abnormal transcript and altered protein product. This variant is expected to result in nonsense mediated decay, truncation, or a dysfunctional protein product. This variant is rare in the general population with a frequency below the threshold expected for the associated phenotype(s). This variant has been observed in one or more individuals affected with the associated recessive disease, as either homozygous or compound heterozygous with a second variant (PMID: 39469307). Given the available evidence, this variant is classified as Pathogenic.

Fulgent Genetics
Classification: Likely pathogenic for Congenital hyperammonemia, type I; Pulmonary hypertension, neonatal, susceptibility to. Last evaluated: 2024-02-04. Review status: criteria provided, single submitter. Criteria: ACMG Guidelines, 2015. Collection method: clinical testing. Allele origin: germline.

Baylor Genetics
Classification: Pathogenic for Pulmonary hypertension, neonatal, susceptibility to. Last evaluated: 2023-12-13. Review status: criteria provided, single submitter. Criteria: ACMG Guidelines, 2015. Collection method: clinical testing. Allele origin: unknown.

Labcorp Genetics (formerly Invitae), Labcorp
Classification: Likely pathogenic for Congenital hyperammonemia, type I. Last evaluated: 2023-09-26. Review status: criteria provided, single submitter. Criteria: Invitae Variant Classification Sherloc (09022015). Collection method: clinical testing. Allele origin: germline.
Comment: Disruption of this splice site has been observed in individual(s) with clinical features of carbamoyl phosphate synthetase deficiency (PMID: 21120950, 33924653). ClinVar contains an entry for this variant (Variation ID: 1343551). Algorithms developed to predict the effect of sequence changes on RNA splicing suggest that this variant may disrupt the consensus splice site. In summary, the currently available evidence indicates that the variant is pathogenic, but additional data are needed to prove that conclusively. Therefore, this variant has been classified as Likely Pathogenic. This variant is not present in population databases (gnomAD no frequency). This sequence change affects an acceptor splice site in intron 26 of the CPS1 gene. It is expected to disrupt RNA splicing. Variants that disrupt the donor or acceptor splice site typically lead to a loss of protein function (PMID: 16199547), and loss-of-function variants in CPS1 are known to be pathogenic (PMID: 21120950).

Women's Health and Genetics/Laboratory Corporation of America, LabCorp
Classification: Likely pathogenic for Congenital hyperammonemia, type I. Last evaluated: 2022-02-24. Review status: criteria provided, single submitter. Criteria: LabCorp Variant Classification Summary - May 2015. Collection method: clinical testing. Allele origin: germline.
Comment: Variant summary: CPS1 c.3337-1G>T is located in a canonical splice-site and is predicted to affect mRNA splicing resulting in a significantly altered protein due to either exon skipping, shortening, or inclusion of intronic material. Several computational tools predict a significant impact on normal splicing: Three predict the variant abolishes a canonical 3' prime acceptor site. However, these predictions have yet to be confirmed by functional studies. The variant was absent in 251014 control chromosomes (gnomAD). c.3337-1G>T has been reported in the literature in individuals affected with Carbamoylphosphate Synthetase I Deficiency and hearing loss (Haberl_2011 and Santos-Cortez_2021). To our knowledge, no experimental evidence demonstrating an impact on protein function has been reported. No clinical diagnostic laboratories have submitted clinical-significance assessments for this variant to ClinVar after 2014. Based on the evidence outlined above, the variant was classified as likely pathogenic.

Literature cited by the submitters: PubMed 39469307 (cited by Natera, Inc.); PubMed 21120950 (cited by Labcorp Genetics (formerly Invitae), Labcorp and Women's Health and Genetics/Laboratory Corporation of America, LabCorp); PubMed 33924653 (cited by Labcorp Genetics (formerly Invitae), Labcorp and Women's Health and Genetics/Laboratory Corporation of America, LabCorp); PubMed 16199547 (cited by Labcorp Genetics (formerly Invitae), Labcorp).

NM_001875.5(CPS1):c.3337-1G>T

Gene: CPS1 (carbamoyl-phosphate synthase 1; plus strand). Cytogenetic location: 2q34.
Variant type: single nucleotide variant.
Coding change: c.3337-1G>T on transcript NM_001875.5 (MANE Select); the canonical splice acceptor site of the intron before coding-DNA position 3337, G replaced by T.
Molecular consequence: splice acceptor variant.
Genome position (GRCh38, 1-based): chr2:210,648,472, G>T. VCF-style: chr2-210648472-G-T. GRCh37 (hg19) VCF-style: chr2-211513196-G-T.
Other names: c.3337-1G>T (NM_001369257.1, NM_001122633.3); c.3370-1G>T (NM_001369256.1).
Identifiers: ClinVar variation 1343551 (VCV001343551.8), dbSNP rs1700452978, ClinGen allele CA350436443.
Genomic context (GRCh38, chr2:210,648,472, plus strand): 5'-TGTAATTTTATTGCATATTTTAAACTACTCATACATTTTTATTGTTGTTTCTATTAATTA[G>T]AATGAAGCACTGGAATTTGCAAAGTCTGTGGACTACCCCTGCTTGTTGAGGCCTTCCTAT-3'